The following is an entry in ClinVar:

NM_004006.3(DMD):c.3092A>T (p.Lys1031Met)

Gene: DMD (dystrophin; minus strand). Cytogenetic location: Xp21.1.
Variant type: single nucleotide variant.
Coding change: c.3092A>T on transcript NM_004006.3 (MANE Select); coding-DNA position 3092, A replaced by T.
Protein change: p.Lys1031Met; replaces lysine 1031 with methionine.
Molecular consequence: missense variant.
Genome position (GRCh38, 1-based): chrX:32,468,568, T>A on the plus strand (A>T on the coding strand, the complement: DMD is on the minus strand). VCF-style: chrX-32468568-T-A. GRCh37 (hg19) VCF-style: chrX-32486685-T-A.
Other names: c.3068A>T, p.Lys1023Met (NM_000109.4); c.3080A>T, p.Lys1027Met (NM_004009.3); c.2723A>T, p.Lys908Met (NM_004010.3); short protein forms K1027M, K908M, K1023M, K1031M.
Identifiers: ClinVar variation 2771035 (VCV002771035.3), dbSNP rs2524612703, ClinGen allele CA412666884.
Genomic context (GRCh38, chrX:32,468,568, plus strand): 5'-CGGAGTTTATTCATTTGCTCCTCTAGCTTTTGACAATGCTCAACCAGCTGGGAGGAGAGC[T>A]TCTTCCAGCGTCCCTCAATTTCTTCAAATTCTGATTGATATTTCCGGCTAATTTCAGAGG-3'
Protein context (NP_003997.2, residues 1021-1041): EFEEIEGRWK[Lys1031Met]LSSQLVEHCQ

ClinVar aggregate classification (germline): Uncertain significance (1 of 4 stars; one submission).

Conditions:
Duchenne muscular dystrophy (DMD). Also called: MUSCULAR DYSTROPHY, PSEUDOHYPERTROPHIC PROGRESSIVE, DUCHENNE TYPE; Duchenne Muscular Dystrophy (DMD). Identifiers: Orphanet 98896, MedGen C0013264, MONDO:0010679, OMIM 310200.

Submission:

Labcorp Genetics (formerly Invitae), Labcorp
Classification: Uncertain significance for Duchenne muscular dystrophy. Last evaluated: 2023-11-20. Review status: criteria provided, single submitter. Criteria: Invitae Variant Classification Sherloc (09022015). Collection method: clinical testing. Allele origin: germline.
Comment: This sequence change replaces lysine, which is basic and polar, with methionine, which is neutral and non-polar, at codon 1031 of the DMD protein (p.Lys1031Met). This variant is not present in population databases (gnomAD no frequency). This variant has not been reported in the literature in individuals affected with DMD-related conditions. Advanced modeling of protein sequence and biophysical properties (such as structural, functional, and spatial information, amino acid conservation, physicochemical variation, residue mobility, and thermodynamic stability) performed at Invitae indicates that this missense variant is not expected to disrupt DMD protein function with a negative predictive value of 95%. In summary, the available evidence is currently insufficient to determine the role of this variant in disease. Therefore, it has been classified as a Variant of Uncertain Significance.